The following is an entry in ClinVar:

NM_002907.4(RECQL):c.1216+3A>G

Gene: RECQL (RecQ like helicase; minus strand). Cytogenetic location: 12p12.1.
Variant type: single nucleotide variant.
Coding change: c.1216+3A>G on transcript NM_002907.4 (MANE Select); 3 bases into the intron after coding-DNA position 1216, A replaced by G.
Molecular consequence: intron variant.
Genome position (GRCh38, 1-based): chr12:21,475,465, T>C on the plus strand (A>G on the coding strand, the complement: RECQL is on the minus strand). VCF-style: chr12-21475465-T-C. GRCh37 (hg19) VCF-style: chr12-21628399-T-C.
Other names: c.1216+3A>G (NM_032941.3).
Identifiers: ClinVar variation 584810 (VCV000584810.7), dbSNP rs372364772, ClinGen allele CA6478830.

ClinVar aggregate classification (germline): Uncertain significance. Review status: criteria provided, multiple submitters, no conflicts (2 of 4 stars). 2 submissions from 2 submitters: Uncertain significance (2). Last evaluated 2022-04-20.

Conditions:
Hereditary cancer-predisposing syndrome. Also called: Tumor predisposition; Neoplastic Syndromes, Hereditary; Hereditary neoplastic syndrome; Hereditary Cancer Syndrome. Identifiers: Orphanet 140162, MedGen C0027672, MeSH D009386, MONDO:0015356.

Allele frequency attached by ClinVar (database versions not stated): gnomAD exomes below 0.00001 and 0.00001; gnomAD 0.00001; ExAC 0.00002; TOPMed 0.00002; ESP Exome Variant Server 0.00008.
gnomAD v4.1: 5 of 1,584,624 alleles (0.00032%); highest among the groups gnomAD compares: African/African-American, 0.0054%; no homozygotes.

Submissions (2):

Labcorp Genetics (formerly Invitae), Labcorp
Classification: Uncertain significance. Last evaluated: 2022-04-20. Review status: criteria provided, single submitter. Criteria: Invitae Variant Classification Sherloc (09022015). Collection method: clinical testing. Allele origin: germline.
Comment: In summary, the available evidence is currently insufficient to determine the role of this variant in disease. Therefore, it has been classified as a Variant of Uncertain Significance. Variants that disrupt the consensus splice site are a relatively common cause of aberrant splicing (PMID: 17576681, 9536098). Algorithms developed to predict the effect of sequence changes on RNA splicing suggest that this variant may disrupt the consensus splice site. ClinVar contains an entry for this variant (Variation ID: 584810). This variant has not been reported in the literature in individuals affected with RECQL-related conditions. This variant is present in population databases (rs372364772, gnomAD 0.007%). This sequence change falls in intron 10 of the RECQL gene. It does not directly change the encoded amino acid sequence of the RECQL protein. It affects a nucleotide within the consensus splice site.

Mendelics
Classification: Uncertain significance for Hereditary cancer-predisposing syndrome. Last evaluated: 2018-07-02. Review status: criteria provided, single submitter. Criteria: Mendelics Assertion Criteria 2017. Collection method: clinical testing. Allele origin: unknown.

Literature cited by the submitters: PubMed 17576681 (cited by Labcorp Genetics (formerly Invitae), Labcorp); PubMed 9536098 (cited by Labcorp Genetics (formerly Invitae), Labcorp).